The following is an entry in ClinVar:

ClinVar aggregate classification (germline): Uncertain significance (1 of 4 stars; one submission).

Conditions:
TRAF7-related disorder. Also called: TRAF7-related condition.

Submission:

PreventionGenetics, part of Exact Sciences
Classification: Uncertain significance for TRAF7-related condition. Last evaluated: 2026-01-09. Review status: criteria provided, single submitter. Criteria: ACMG Guidelines, 2015. Collection method: clinical testing. Allele origin: germline.
Comment: The TRAF7 c.1802C>T variant is predicted to result in the amino acid substitution p.Thr601Ile. To our knowledge, this variant has not been reported in the literature or in a large population database (gnomAD), indicating this variant is rare. This variant is located in a WD40 repeat which harbors a majority of pathogenic variants in the TRAF7 gene (Tokita et al. 2018. PubMed ID: 29961569; Castilla-Vallmanya et al. 2020. PubMed ID: 32376980). An alternate missense variant affecting this amino acid (p.Thr601Ala) has been reported as de novo in an individual with TRAF7-related disease (Tokita et al. 2018. PubMed ID: 29961569). Although we suspect that this variant may be pathogenic, at this time, the clinical significance of this variant is uncertain due to the absence of conclusive functional and genetic evidence.

NM_032271.3(TRAF7):c.1802C>T (p.Thr601Ile)

Gene: TRAF7 (TNF receptor associated factor 7; plus strand). Cytogenetic location: 16p13.3.
Variant type: single nucleotide variant.
Coding change: c.1802C>T on transcript NM_032271.3 (MANE Select); coding-DNA position 1802, C replaced by T.
Protein change: p.Thr601Ile; replaces threonine 601 with isoleucine.
Molecular consequence: missense variant.
Genome position (GRCh38, 1-based): chr16:2,176,104, C>T. VCF-style: chr16-2176104-C-T. GRCh37 (hg19) VCF-style: chr16-2226105-C-T.
Other names: short protein forms T601I.
Identifiers: ClinVar variation 3346088 (VCV003346088.2).